The following is an entry in ClinVar:

NM_000179.3(MSH6):c.880G>T (p.Val294Phe)

Gene: MSH6 (mutS homolog 6; plus strand). Cytogenetic location: 2p16.3.
Variant type: single nucleotide variant.
Coding change: c.880G>T on transcript NM_000179.3 (MANE Select); coding-DNA position 880, G replaced by T.
Protein change: p.Val294Phe; replaces valine 294 with phenylalanine.
Molecular consequence: missense variant. On other transcripts: 5 prime UTR variant (9), non-coding transcript variant (4), intron variant (1).
Genome position (GRCh38, 1-based): chr2:47,798,863, G>T. VCF-style: chr2-47798863-G-T. GRCh37 (hg19) VCF-style: chr2-48026002-G-T.
Other names: c.880G>T, p.Val294Phe (NM_001406800.1, NM_001406796.1, NM_001406798.1 and 4 more transcripts); c.583G>T, p.Val195Phe (NM_001406801.1, NM_001406797.1, NM_001406805.1 and 10 more transcripts); c.355G>T, p.Val119Phe (NM_001406799.1, NM_001406806.1, NM_001406807.1); c.976G>T, p.Val326Phe (NM_001406802.1, NM_001406795.1); c.802G>T, p.Val268Phe (NM_001406804.1); c.-27G>T (NM_001406811.1, NM_001406812.1, NM_001406814.1 and 6 more transcripts); c.886G>T, p.Val296Phe (NM_001406813.1); c.712G>T, p.Val238Phe (NM_001406826.1); and 2 more; short protein forms V119F, V164F, V195F, V238F, V268F, V294F, V296F, V326F.
Identifiers: ClinVar variation 3603728 (VCV003603728.2).
Genomic context (GRCh38, chr2:47,798,863, plus strand): 5'-AGCAGTGATGAAATAAGCAGTGGAGTGGGGGATAGTGAGAGTGAAGGCCTGAACAGCCCT[G>T]TCAAAGTTGCTCGAAAGCGGAAGAGAATGGTGACTGGAAATGGCTCTCTTAAAAGGAAAA-3'
Protein context (NP_000170.1, residues 284-304): DSESEGLNSP[Val294Phe]KVARKRKRMV

ClinVar aggregate classification (germline): Uncertain significance (1 of 4 stars; one submission).

Conditions:
Hereditary nonpolyposis colorectal neoplasms. Identifiers: MedGen C0009405, MeSH D003123.

Submission:

Labcorp Genetics (formerly Invitae), Labcorp
Classification: Uncertain significance for Hereditary nonpolyposis colorectal neoplasms. Last evaluated: 2024-04-30. Review status: criteria provided, single submitter. Criteria: Invitae Variant Classification Sherloc (09022015). Collection method: clinical testing. Allele origin: germline.
Comment: This sequence change replaces valine, which is neutral and non-polar, with phenylalanine, which is neutral and non-polar, at codon 294 of the MSH6 protein (p.Val294Phe). This variant is not present in population databases (gnomAD no frequency). This variant has not been reported in the literature in individuals affected with MSH6-related conditions. Advanced modeling of protein sequence and biophysical properties (such as structural, functional, and spatial information, amino acid conservation, physicochemical variation, residue mobility, and thermodynamic stability) performed at Invitae indicates that this missense variant is not expected to disrupt MSH6 protein function with a negative predictive value of 95%. In summary, the available evidence is currently insufficient to determine the role of this variant in disease. Therefore, it has been classified as a Variant of Uncertain Significance.